The following is an entry in ClinVar:

NM_001365536.1(SCN9A):c.5474C>T (p.Ala1825Val)

Genes: SCN1A-AS1 (SCN1A and SCN9A antisense RNA 1; plus strand), SCN9A (sodium voltage-gated channel alpha subunit 9; minus strand). Cytogenetic location: 2q24.3.
Variant type: single nucleotide variant.
Coding change: c.5474C>T on transcript NM_001365536.1 (MANE Select); coding-DNA position 5474, C replaced by T.
Protein change: p.Ala1825Val; replaces alanine 1825 with valine.
Molecular consequence: missense variant.
Genome position (GRCh38, 1-based): chr2:166,199,165, G>A on the plus strand (C>T on the coding strand, the complement: SCN9A is on the minus strand). VCF-style: chr2-166199165-G-A. GRCh37 (hg19) VCF-style: chr2-167055675-G-A.
Other names: c.5441C>T, p.Ala1814Val (NM_002977.4); short protein forms A1814V, A1825V.
Identifiers: ClinVar variation 2081256 (VCV002081256.4), dbSNP rs759259640, ClinGen allele CA1943673.

ClinVar aggregate classification (germline): Uncertain significance (1 of 4 stars; one submission).

Conditions:
Generalized epilepsy with febrile seizures plus, type 7 (GEFSP7). Also called: GEFS+, TYPE 7. Identifiers: Orphanet 36387, MedGen C2751778, MONDO:0013470, OMIM 613863.
Neuropathy, hereditary sensory and autonomic, type 2A (HSAN2A). Also called: WNK1-Related HSAN2 (HSAN2A); ACROOSTEOLYSIS, GIACCAI TYPE; ACROOSTEOLYSIS, NEUROGENIC; HSAN IIA; MORVAN DISEASE; NEUROPATHY, CONGENITAL SENSORY. Identifiers: Orphanet 970, MedGen C2752089, MONDO:0024309, OMIM 201300.

Allele frequency attached by ClinVar (database versions not stated): gnomAD exomes below 0.00001; ExAC 0.00001.
gnomAD v4.1: 2 of 1,614,164 alleles (0.00012%); highest among the groups gnomAD compares: East Asian, 0.0022%; no homozygotes.

Submission:

Labcorp Genetics (formerly Invitae), Labcorp
Classification: Uncertain significance for Neuropathy, hereditary sensory and autonomic, type 2A; Generalized epilepsy with febrile seizures plus, type 7. Last evaluated: 2022-09-04. Review status: criteria provided, single submitter. Criteria: Invitae Variant Classification Sherloc (09022015). Collection method: clinical testing. Allele origin: germline.
Comment: In summary, the available evidence is currently insufficient to determine the role of this variant in disease. Therefore, it has been classified as a Variant of Uncertain Significance. Algorithms developed to predict the effect of missense changes on protein structure and function are either unavailable or do not agree on the potential impact of this missense change (SIFT: "Deleterious"; PolyPhen-2: "Probably Damaging"; Align-GVGD: "Class C0"). This variant has not been reported in the literature in individuals affected with SCN9A-related conditions. This variant is present in population databases (rs759259640, gnomAD 0.01%). This sequence change replaces alanine, which is neutral and non-polar, with valine, which is neutral and non-polar, at codon 1814 of the SCN9A protein (p.Ala1814Val).